The following is an entry in ClinVar:

NM_015512.5(DNAH1):c.1135A>G (p.Asn379Asp)

Gene: DNAH1 (dynein axonemal heavy chain 1; plus strand). Cytogenetic location: 3p21.1.
Variant type: single nucleotide variant.
Coding change: c.1135A>G on transcript NM_015512.5 (MANE Select); coding-DNA position 1135, A replaced by G.
Protein change: p.Asn379Asp; replaces asparagine 379 with aspartic acid.
Molecular consequence: missense variant.
Genome position (GRCh38, 1-based): chr3:52,332,243, A>G. VCF-style: chr3-52332243-A-G. GRCh37 (hg19) VCF-style: chr3-52366259-A-G.
Other names: short protein forms N379D.
Identifiers: ClinVar variation 972078 (VCV000972078.7), dbSNP rs372166382, ClinGen allele CA2432882.

ClinVar aggregate classification (germline): Uncertain significance. Review status: criteria provided, multiple submitters, no conflicts (2 of 4 stars). 4 submissions from 4 submitters: Uncertain significance (4). Last evaluated 2023-10-05.

Conditions:
Spermatogenic failure 18. Identifiers: MedGen C4539783, MONDO:0054615, OMIM 617576.
Ciliary dyskinesia, primary, 37 (CILD37). Also called: CILIARY DYSKINESIA, PRIMARY, 37, WITH OR WITHOUT SITUS INVERSUS. Identifiers: MedGen C4539798, MONDO:0033204, OMIM 617577.

Allele frequency attached by ClinVar (database versions not stated): gnomAD exomes 0.00008 and 0.00018; ExAC 0.00010; TOPMed 0.00014; ESP Exome Variant Server 0.00016.
gnomAD v4.1: 282 of 1,613,842 alleles (0.017%); highest among the groups gnomAD compares: Non-Finnish European, 0.022%; no homozygotes.

Submissions (4):

Ambry Genetics
Classification: Uncertain significance. Last evaluated: 2023-10-05. Review status: criteria provided, single submitter. Criteria: Ambry Variant Classification Scheme 2023. Collection method: clinical testing. Allele origin: germline.

Blueprint Genetics
Classification: Uncertain significance. Last evaluated: 2022-11-24. Review status: criteria provided, single submitter. Criteria: ACMG Guidelines, 2015. Collection method: clinical testing. Allele origin: germline.

Labcorp Genetics (formerly Invitae), Labcorp
Classification: Uncertain significance for Ciliary dyskinesia, primary, 37; Spermatogenic failure 18. Last evaluated: 2022-07-05. Review status: criteria provided, single submitter. Criteria: Invitae Variant Classification Sherloc (09022015). Collection method: clinical testing. Allele origin: germline.
Comment: This sequence change replaces asparagine, which is neutral and polar, with aspartic acid, which is acidic and polar, at codon 379 of the DNAH1 protein (p.Asn379Asp). This variant is present in population databases (rs372166382, gnomAD 0.02%). This missense change has been observed in individual(s) with clinical features of primary ciliary dyskinesia (Invitae). ClinVar contains an entry for this variant (Variation ID: 972078). Algorithms developed to predict the effect of missense changes on protein structure and function are either unavailable or do not agree on the potential impact of this missense change (SIFT: "Deleterious"; PolyPhen-2: "Benign"; Align-GVGD: "Class C0"). In summary, the available evidence is currently insufficient to determine the role of this variant in disease. Therefore, it has been classified as a Variant of Uncertain Significance.

Fulgent Genetics
Classification: Uncertain significance for Spermatogenic failure 18; Ciliary dyskinesia, primary, 37. Last evaluated: 2021-11-29. Review status: criteria provided, single submitter. Criteria: ACMG Guidelines, 2015. Collection method: clinical testing. Allele origin: unknown.